The following is an entry in ClinVar:

ClinVar aggregate classification (germline): Conflicting classifications of pathogenicity. Review status: criteria provided, conflicting classifications (1 of 4 stars). 3 submissions from 3 submitters: Uncertain significance (2); Likely benign (1). Last evaluated 2025-11-17.

Conditions:
Arrhythmogenic cardiomyopathy with wooly hair and keratoderma. Also called: Carvajal syndrome; Dilated cardiomyopathy with woolly hair and keratoderma; Arrhythmogenic cardiomyopathy with woolly hair and keratoderma; PALMOPLANTAR KERATODERMA WITH LEFT VENTRICULAR CARDIOMYOPATHY AND WOOLLY HAIR. Identifiers: Orphanet 65282, MedGen C1854063, MONDO:0011581, OMIM 605676.
Arrhythmogenic right ventricular dysplasia 8 (ARVD8). Also called: Arrhythmogenic Right Ventricular Dysplasia/Cardiomyopathy 8; ARRHYTHMOGENIC RIGHT VENTRICULAR DYSPLASIA, FAMILIAL, 8; ARRHYTHMOGENIC RIGHT VENTRICULAR CARDIOMYOPATHY 8. Identifiers: MedGen C1843896, MONDO:0011831, OMIM 607450.
Cardiovascular phenotype. Identifiers: MedGen CN230736.
Cardiomyopathy (CMYO). Also called: Cardiomyopathies. Identifiers: Orphanet 167848, MedGen C0878544, MONDO:0004994, HP:0001638. Inheritance: Various modes of inheritance.

gnomAD v4.1: 3 of 1,614,128 alleles (0.00019%); highest among the groups gnomAD compares: Admixed American, 0.0017%; no homozygotes.

Submissions (3):

Labcorp Genetics (formerly Invitae), Labcorp
Classification: Likely benign for Arrhythmogenic cardiomyopathy with wooly hair and keratoderma; Arrhythmogenic right ventricular dysplasia 8. Last evaluated: 2025-11-17. Review status: criteria provided, single submitter. Criteria: Invitae Variant Classification Sherloc (09022015). Collection method: clinical testing. Allele origin: germline.

Ambry Genetics
Classification: Uncertain significance for Cardiovascular phenotype. Last evaluated: 2025-01-22. Review status: criteria provided, single submitter. Criteria: Ambry Variant Classification Scheme 2023. Collection method: clinical testing. Allele origin: germline.

Color Diagnostics, LLC DBA Color Health
Classification: Uncertain significance for Cardiomyopathy. Last evaluated: 2024-03-06. Review status: criteria provided, single submitter. Criteria: ACMG Guidelines, 2015. Collection method: clinical testing. Allele origin: germline.
Comment: This missense variant replaces alanine with serine at codon 1279 of the DSP protein. Computational prediction suggests that this variant may not impact protein structure and function (internally defined REVEL score threshold <= 0.5, PMID: 27666373). To our knowledge, functional studies have not been reported for this variant. This variant has not been reported in individuals affected with cardiovascular disorders in the literature. This variant has been identified in 1/250836 chromosomes in the general population by the Genome Aggregation Database (gnomAD). The available evidence is insufficient to determine the role of this variant in disease conclusively. Therefore, this variant is classified as a Variant of Uncertain Significance.

NM_004415.4(DSP):c.3835G>T (p.Ala1279Ser)

Gene: DSP (desmoplakin; plus strand). Cytogenetic location: 6p24.3.
Variant type: single nucleotide variant.
Coding change: c.3835G>T on transcript NM_004415.4 (MANE Select); coding-DNA position 3835, G replaced by T.
Protein change: p.Ala1279Ser; replaces alanine 1279 with serine.
Molecular consequence: missense variant. On other transcripts: intron variant (1).
Genome position (GRCh38, 1-based): chr6:7,580,025, G>T. VCF-style: chr6-7580025-G-T. GRCh37 (hg19) VCF-style: chr6-7580258-G-T.
Other names: c.3835G>T, p.Ala1279Ser (NM_001319034.2); c.3582+253G>T (NM_001008844.3); short protein forms A1279S.
Identifiers: ClinVar variation 1332359 (VCV001332359.8), dbSNP rs763915365, ClinGen allele CA362684960.